The following is an entry in ClinVar:

NM_014855.3(AP5Z1):c.1766C>G (p.Ser589Trp)

Gene: AP5Z1 (adaptor related protein complex 5 subunit zeta 1; plus strand). Cytogenetic location: 7p22.1.
Variant type: single nucleotide variant.
Coding change: c.1766C>G on transcript NM_014855.3 (MANE Select); coding-DNA position 1766, C replaced by G.
Protein change: p.Ser589Trp; replaces serine 589 with tryptophan.
Molecular consequence: missense variant. On other transcripts: non-coding transcript variant (1).
Genome position (GRCh38, 1-based): chr7:4,789,890, C>G. VCF-style: chr7-4789890-C-G. GRCh37 (hg19) VCF-style: chr7-4829521-C-G.
Other names: c.1298C>G, p.Ser433Trp (NM_001364858.1); c.1766C>G (NM_014855.2); short protein forms S589W, S433W.
Identifiers: ClinVar variation 2165442 (VCV002165442.4), dbSNP rs765366145, ClinGen allele CA366663742.

ClinVar aggregate classification (germline): Uncertain significance. Review status: criteria provided, multiple submitters, no conflicts (2 of 4 stars). 2 submissions from 2 submitters: Uncertain significance (2). Last evaluated 2024-09-04.

Conditions:
Inborn genetic diseases. Identifiers: MedGen C0950123, MeSH D030342.
Hereditary spastic paraplegia 48. Also called: SPASTIC PARAPLEGIA 48, AUTOSOMAL RECESSIVE; Spastic paraplegia 48. Identifiers: Orphanet 306511, MedGen C3150901, MONDO:0013342, OMIM 613647.

Submissions (2):

Labcorp Genetics (formerly Invitae), Labcorp
Classification: Uncertain significance for Hereditary spastic paraplegia 48. Last evaluated: 2024-09-04. Review status: criteria provided, single submitter. Criteria: Invitae Variant Classification Sherloc (09022015). Collection method: clinical testing. Allele origin: germline.
Comment: This sequence change replaces serine, which is neutral and polar, with tryptophan, which is neutral and slightly polar, at codon 589 of the AP5Z1 protein (p.Ser589Trp). This variant is present in population databases (no rsID available, gnomAD no frequency). This variant has not been reported in the literature in individuals affected with AP5Z1-related conditions. ClinVar contains an entry for this variant (Variation ID: 2165442). Invitae Evidence Modeling of protein sequence and biophysical properties (such as structural, functional, and spatial information, amino acid conservation, physicochemical variation, residue mobility, and thermodynamic stability) indicates that this missense variant is not expected to disrupt AP5Z1 protein function with a negative predictive value of 80%. In summary, the available evidence is currently insufficient to determine the role of this variant in disease. Therefore, it has been classified as a Variant of Uncertain Significance.

Ambry Genetics
Classification: Uncertain significance for Inborn genetic diseases. Last evaluated: 2021-08-24. Review status: criteria provided, single submitter. Criteria: Ambry Variant Classification Scheme 2023. Collection method: clinical testing. Allele origin: germline.